The following is an entry in ClinVar:

ClinVar aggregate classification (germline): Uncertain significance (1 of 4 stars; one submission).

Conditions:
Epileptic encephalopathy. Identifiers: MedGen C0543888, HP:0200134.

Allele frequency attached by ClinVar (database versions not stated): gnomAD 0.00001; TOPMed 0.00001; ExAC 0.00002; gnomAD exomes 0.00002 and 0.00003.
gnomAD v4.1: 29 of 1,612,504 alleles (0.0018%); highest among the groups gnomAD compares: East Asian, 0.0022%; no homozygotes.

Submission:

Labcorp Genetics (formerly Invitae), Labcorp
Classification: Uncertain significance for Epileptic encephalopathy. Last evaluated: 2025-08-29. Review status: criteria provided, single submitter. Criteria: Invitae Variant Classification Sherloc (09022015). Collection method: clinical testing. Allele origin: germline.
Comment: This sequence change replaces alanine, which is neutral and non-polar, with valine, which is neutral and non-polar, at codon 1812 of the FASN protein (p.Ala1812Val). This variant is present in population databases (rs781407421, gnomAD 0.005%). This variant has not been reported in the literature in individuals affected with FASN-related conditions. ClinVar contains an entry for this variant (Variation ID: 1361977). An algorithm developed to predict the effect of missense changes on protein structure and function (PolyPhen-2) suggests that this variant is likely to be tolerated. In summary, the available evidence is currently insufficient to determine the role of this variant in disease. Therefore, it has been classified as a Variant of Uncertain Significance.

NM_004104.5(FASN):c.5435C>T (p.Ala1812Val)

Gene: FASN (fatty acid synthase; minus strand). Cytogenetic location: 17q25.3.
Variant type: single nucleotide variant.
Coding change: c.5435C>T on transcript NM_004104.5 (MANE Select); coding-DNA position 5435, C replaced by T.
Protein change: p.Ala1812Val; replaces alanine 1812 with valine.
Molecular consequence: missense variant.
Genome position (GRCh38, 1-based): chr17:82,083,332, G>A on the plus strand (C>T on the coding strand, the complement: FASN is on the minus strand). VCF-style: chr17-82083332-G-A. GRCh37 (hg19) VCF-style: chr17-80041208-G-A.
Other names: short protein forms A1812V.
Identifiers: ClinVar variation 1361977 (VCV001361977.8), dbSNP rs781407421, ClinGen allele CA8851690.
Genomic context (GRCh38, chr17:82,083,332, plus strand): 5'-TGGAACACCGTGCACTTGAGGGGCCGTACCACCCCATCCCGGATGCCGGCCTGCACAAGC[G>A]CCCACACCTCCCGCCAGTCAGCACTGCTCTCGTTGAAGAACGCATCCAGTAGGACCCCGT-3'
Protein context (NP_004095.4, residues 1802-1822): ESSADWREVW[Ala1812Val]LVQAGIRDGV